The following is an entry in ClinVar:

NM_017654.4(SAMD9):c.202G>A (p.Glu68Lys)

Gene: SAMD9 (sterile alpha motif domain containing 9; minus strand). Cytogenetic location: 7q21.2.
Variant type: single nucleotide variant.
Coding change: c.202G>A on transcript NM_017654.4 (MANE Select); coding-DNA position 202, G replaced by A.
Protein change: p.Glu68Lys; replaces glutamic acid 68 with lysine.
Molecular consequence: missense variant.
Genome position (GRCh38, 1-based): chr7:93,105,896, C>T on the plus strand (G>A on the coding strand, the complement: SAMD9 is on the minus strand). VCF-style: chr7-93105896-C-T. GRCh37 (hg19) VCF-style: chr7-92735209-C-T.
Other names: c.202G>A (NM_017654.3); c.202G>A, p.Glu68Lys (NM_001193307.2); short protein forms E68K.
Identifiers: ClinVar variation 2901331 (VCV002901331.4), dbSNP rs1248670605, ClinGen allele CA368205755.

ClinVar aggregate classification (germline): Uncertain significance. Review status: criteria provided, multiple submitters, no conflicts (2 of 4 stars). 2 submissions from 2 submitters: Uncertain significance (2). Last evaluated 2025-05-30.

Allele frequency attached by ClinVar (database versions not stated): gnomAD exomes below 0.00001; TOPMed 0.00001.
gnomAD v4.1: 2 of 1,614,062 alleles (0.00012%); highest among the groups gnomAD compares: Non-Finnish European, 0.00017%; no homozygotes.

Submissions (2):

Labcorp Genetics (formerly Invitae), Labcorp
Classification: Uncertain significance. Last evaluated: 2025-05-30. Review status: criteria provided, single submitter. Criteria: Invitae Variant Classification Sherloc (09022015). Collection method: clinical testing. Allele origin: germline.
Comment: This sequence change replaces glutamic acid, which is acidic and polar, with lysine, which is basic and polar, at codon 68 of the SAMD9 protein (p.Glu68Lys). This variant is present in population databases (no rsID available, gnomAD no frequency). This variant has not been reported in the literature in individuals affected with SAMD9-related conditions. ClinVar contains an entry for this variant (Variation ID: 2901331). Invitae Evidence Modeling of protein sequence and biophysical properties (such as structural, functional, and spatial information, amino acid conservation, physicochemical variation, residue mobility, and thermodynamic stability) indicates that this missense variant is not expected to disrupt SAMD9 protein function with a negative predictive value of 95%. In summary, the available evidence is currently insufficient to determine the role of this variant in disease. Therefore, it has been classified as a Variant of Uncertain Significance.

GeneDx
Classification: Uncertain significance. Last evaluated: 2023-08-03. Review status: criteria provided, single submitter. Criteria: GeneDx Variant Classification Process June 2021. Collection method: clinical testing. Allele origin: germline. Affected: yes.
Comment: Not observed at significant frequency in large population cohorts (gnomAD); In silico analysis supports that this missense variant does not alter protein structure/function; Has not been previously published as pathogenic or benign to our knowledge